The following is an entry in ClinVar:

ClinVar aggregate classification (germline): Uncertain significance (1 of 4 stars; one submission).

Submission:

GeneDx
Classification: Uncertain significance. Last evaluated: 2021-04-27. Review status: criteria provided, single submitter. Criteria: GeneDx Variant Classification Process June 2021. Collection method: clinical testing. Allele origin: germline. Affected: yes.
Comment: Not observed in large population cohorts (Lek et al., 2016); In silico analysis, which includes protein predictors and evolutionary conservation, supports a deleterious effect; Has not been previously published as pathogenic or benign to our knowledge; Variants in candidate genes are classified as variants of uncertain significance in accordance with ACMG guidelines (Richards et al., 2015)

NC_000011.10:g.61964852C>G

Genes: BEST1 (bestrophin 1; plus strand), FTH1 (ferritin heavy chain 1; minus strand). Cytogenetic location: 11q12.3.
Variant type: single nucleotide variant.
Molecular consequence: missense variant (on NM_002032.3).
Genome position: GRCh38 VCF-style: chr11-61964852-C-G. GRCh37 (hg19) VCF-style: chr11-61732324-C-G.
Other names: c.427G>C, p.Val143Leu (NM_002032.3); short protein forms V143L.
Identifiers: ClinVar variation 1308207 (VCV001308207.4), dbSNP rs1471666194, ClinGen allele CA380854113.